The following is an entry in ClinVar:

ClinVar aggregate classification (germline): Pathogenic (1 of 4 stars; one submission).

Submission:

Labcorp Genetics (formerly Invitae), Labcorp
Classification: Pathogenic. Last evaluated: 2019-11-17. Review status: criteria provided, single submitter. Criteria: Invitae Variant Classification Sherloc (09022015). Collection method: clinical testing. Allele origin: germline.
Comment: For these reasons, this variant has been classified as Pathogenic. This sequence change creates a premature translational stop signal (p.Leu372Phefs*34) in the MTTP gene. It is expected to result in an absent or disrupted protein product. This variant is not present in population databases (ExAC no frequency). This variant has not been reported in the literature in individuals with MTTP-related conditions. Loss-of-function variants in MTTP are known to be pathogenic (PMID: 8533758, 9671739).

Literature cited by the submitters: PubMed 8533758; PubMed 9671739.

NM_001386140.1(MTTP):c.1116_1125del (p.Leu372fs)

Gene: MTTP (microsomal triglyceride transfer protein; plus strand). Cytogenetic location: 4q23.
Variant type: Deletion.
Coding change: c.1116_1125del on transcript NM_001386140.1 (MANE Select); coding-DNA positions 1116 to 1125, 10 bases deleted (AGAAGCCATT; older notation c.1116_1125delAGAAGCCATT).
Protein change: p.Leu372fs; shifts the reading frame from leucine 372.
Molecular consequence: frameshift variant.
Genome position (GRCh38, 1-based): chr4:99,600,613-99,600,622, AGAAGCCATT deleted; deleting any 10 consecutive bases within chr4:99,600,609-99,600,622 gives the same sequence; the c. name uses the placement nearest the transcript's 3' end. VCF-style (leftmost placement, unchanged base first): chr4-99600608-TCATTAGAAGC-T. GRCh37 (hg19) VCF-style: chr4-100521765-TCATTAGAAGC-T.
Other names: c.1116_1125del, p.Leu372fs (NM_000253.4); c.867_876del, p.Leu289fs (NM_001300785.2); short protein forms L372fs, L289fs.
Identifiers: ClinVar variation 850460 (VCV000850460.6), dbSNP rs1725671086, ClinGen allele CA916082653.